The following is an entry in ClinVar:

NM_052859.4(RFT1):c.63G>A (p.Gln21=)

Genes: RFT1 (RFT1 glycolipid translocator homolog; minus strand), LOC129936883 (ATAC-STARR-seq lymphoblastoid active region 19954; plus strand). Cytogenetic location: 3p21.1.
Variant type: single nucleotide variant.
Coding change: c.63G>A on transcript NM_052859.4 (MANE Select); coding-DNA position 63, G replaced by A.
Protein change: p.Gln21=; no amino-acid change (glutamine 21 retained).
Molecular consequence: synonymous variant.
Genome position (GRCh38, 1-based): chr3:53,130,338, C>T on the plus strand (G>A on the coding strand, the complement: RFT1 is on the minus strand). VCF-style: chr3-53130338-C-T. GRCh37 (hg19) VCF-style: chr3-53164354-C-T.
Identifiers: ClinVar variation 1443332 (VCV001443332.9), dbSNP rs139372284, ClinGen allele CA74819644.

ClinVar aggregate classification (germline): Uncertain significance. Review status: criteria provided, multiple submitters, no conflicts (2 of 4 stars). 2 submissions from 2 submitters: Uncertain significance (2). Last evaluated 2025-04-07.

Conditions:
RFT1-congenital disorder of glycosylation (CDG1N). Also called: RFT1-CDG; Congenital disorder of glycosylation type In; CDG In. Identifiers: Orphanet 244310, MedGen C2677590, MONDO:0012783, OMIM 612015.

Allele frequency attached by ClinVar (database versions not stated): TOPMed below 0.00001; gnomAD 0.00001.
gnomAD v4.1: 1 of 1,568,058 alleles (0.000064%); highest among the groups gnomAD compares: African/African-American, 0.0014%; no homozygotes.

Submissions (2):

Labcorp Genetics (formerly Invitae), Labcorp
Classification: Uncertain significance for RFT1-congenital disorder of glycosylation. Last evaluated: 2025-04-07. Review status: criteria provided, single submitter. Criteria: Invitae Variant Classification Sherloc (09022015). Collection method: clinical testing. Allele origin: germline.
Comment: This sequence change affects codon 21 of the RFT1 mRNA. It is a 'silent' change, meaning that it does not change the encoded amino acid sequence of the RFT1 protein. This variant also falls at the last nucleotide of exon 1, which is part of the consensus splice site for this exon. This variant is not present in population databases (gnomAD no frequency). This variant has not been reported in the literature in individuals affected with RFT1-related conditions. ClinVar contains an entry for this variant (Variation ID: 1443332). Variants that disrupt the consensus splice site are a relatively common cause of aberrant splicing (PMID: 17576681, 9536098). Algorithms developed to predict the effect of sequence changes on RNA splicing suggest that this variant may disrupt the consensus splice site. In summary, the available evidence is currently insufficient to determine the role of this variant in disease. Therefore, it has been classified as a Variant of Uncertain Significance.

Fulgent Genetics
Classification: Uncertain significance for RFT1-congenital disorder of glycosylation. Last evaluated: 2022-01-16. Review status: criteria provided, single submitter. Criteria: ACMG Guidelines, 2015. Collection method: clinical testing. Allele origin: unknown.

Literature cited by the submitters: PubMed 17576681 (cited by Labcorp Genetics (formerly Invitae), Labcorp); PubMed 9536098 (cited by Labcorp Genetics (formerly Invitae), Labcorp).